The following is an entry in ClinVar:

NM_001197104.2(KMT2A):c.3569+8G>A

Gene: KMT2A (lysine methyltransferase 2A; plus strand). Cytogenetic location: 11q23.3.
Variant type: single nucleotide variant.
Coding change: c.3569+8G>A on transcript NM_001197104.2 (MANE Select); 8 bases into the intron after coding-DNA position 3569, G replaced by A.
Molecular consequence: intron variant.
Genome position (GRCh38, 1-based): chr11:118,478,209, G>A. VCF-style: chr11-118478209-G-A. GRCh37 (hg19) VCF-style: chr11-118348924-G-A.
Other names: c.3569+8G>A (NM_005933.4).
Identifiers: ClinVar variation 2029257 (VCV002029257.4), dbSNP rs1950071910, ClinGen allele CA2003510716.

ClinVar aggregate classification (germline): Uncertain significance (1 of 4 stars; one submission).

Allele frequency attached by ClinVar (database versions not stated): gnomAD exomes below 0.00001; TOPMed below 0.00001.
gnomAD v4.1: 1 of 1,603,062 alleles (0.000062%); highest among the groups gnomAD compares: Admixed American, 0.0017%; no homozygotes.

Submission:

Labcorp Genetics (formerly Invitae), Labcorp
Classification: Uncertain significance. Last evaluated: 2023-03-08. Review status: criteria provided, single submitter. Criteria: Invitae Variant Classification Sherloc (09022015). Collection method: clinical testing. Allele origin: germline.
Comment: In summary, the available evidence is currently insufficient to determine the role of this variant in disease. Therefore, it has been classified as a Variant of Uncertain Significance. Algorithms developed to predict the effect of sequence changes on RNA splicing suggest that this variant may create or strengthen a splice site. ClinVar contains an entry for this variant (Variation ID: 2029257). This variant has not been reported in the literature in individuals affected with KMT2A-related conditions. This variant is not present in population databases (gnomAD no frequency). This sequence change falls in intron 5 of the KMT2A gene. It does not directly change the encoded amino acid sequence of the KMT2A protein.